The following is an entry in ClinVar:

ClinVar aggregate classification (germline): Uncertain significance (1 of 4 stars; one submission).

Conditions:
Meckel syndrome, type 11 (MKS11). Identifiers: Orphanet 564, MedGen C3809352, MONDO:0014164, OMIM 615397.
Joubert syndrome 20 (JBTS20). Identifiers: Orphanet 475, MedGen C3554235, MONDO:0013994, OMIM 614970.

Submission:

Labcorp Genetics (formerly Invitae), Labcorp
Classification: Uncertain significance for Joubert syndrome 20; Meckel syndrome, type 11. Last evaluated: 2022-06-24. Review status: criteria provided, single submitter. Criteria: Invitae Variant Classification Sherloc (09022015). Collection method: clinical testing. Allele origin: germline.
Comment: In summary, the available evidence is currently insufficient to determine the role of this variant in disease. Therefore, it has been classified as a Variant of Uncertain Significance. Algorithms developed to predict the effect of missense changes on protein structure and function are either unavailable or do not agree on the potential impact of this missense change (SIFT: "Deleterious"; PolyPhen-2: "Not Available"; Align-GVGD: "Class C0"). This variant has not been reported in the literature in individuals affected with TMEM231-related conditions. This variant is not present in population databases (gnomAD no frequency). This sequence change replaces serine, which is neutral and polar, with leucine, which is neutral and non-polar, at codon 13 of the TMEM231 protein (p.Ser13Leu).

NM_001077418.3(TMEM231):c.-25C>T

Gene: TMEM231 (transmembrane protein 231; minus strand). Cytogenetic location: 16q23.1.
Variant type: single nucleotide variant.
Coding change: c.-25C>T on transcript NM_001077418.3 (MANE Select); 25 bases upstream of the start codon, C replaced by T.
Molecular consequence: 5 prime UTR variant. On other transcripts: missense variant (1), non-coding transcript variant (1).
Genome position (GRCh38, 1-based): chr16:75,556,234, G>A on the plus strand (C>T on the coding strand, the complement: TMEM231 is on the minus strand). VCF-style: chr16-75556234-G-A. GRCh37 (hg19) VCF-style: chr16-75590132-G-A.
Other names: c.38C>T, p.Ser13Leu (NM_001077416.2); short protein forms S13L.
Identifiers: ClinVar variation 2070859 (VCV002070859.4), dbSNP rs1336887125, ClinGen allele CA723931773.